The following is an entry in ClinVar:

ClinVar aggregate classification (germline): Uncertain significance. Review status: criteria provided, multiple submitters, no conflicts (2 of 4 stars). 3 submissions from 3 submitters: Uncertain significance (3). Last evaluated 2026-01-05.

Allele frequency attached by ClinVar (database versions not stated): gnomAD 0.00001; gnomAD exomes 0.00001; TOPMed 0.00003.

Submissions (3):

Labcorp Genetics (formerly Invitae), Labcorp
Classification: Uncertain significance. Last evaluated: 2026-01-05. Review status: criteria provided, single submitter. Criteria: Invitae Variant Classification Sherloc (09022015). Collection method: clinical testing. Allele origin: germline.
Comment: This sequence change replaces threonine, which is neutral and polar, with alanine, which is neutral and non-polar, at codon 1307 of the NOTCH3 protein (p.Thr1307Ala). This variant is present in population databases (no rsID available, gnomAD 0.003%). This variant has not been reported in the literature in individuals affected with NOTCH3-related conditions. ClinVar contains an entry for this variant (Variation ID: 993732). Invitae Evidence Modeling of protein sequence and biophysical properties (such as structural, functional, and spatial information, amino acid conservation, physicochemical variation, residue mobility, and thermodynamic stability) indicates that this missense variant is not expected to disrupt NOTCH3 protein function with a negative predictive value of 95%. In summary, the available evidence is currently insufficient to determine the role of this variant in disease. Therefore, it has been classified as a Variant of Uncertain Significance.

CeGaT Center for Human Genetics Tuebingen
Classification: Uncertain significance. Last evaluated: 2025-02-01. Review status: criteria provided, single submitter. Criteria: CeGaT Center For Human Genetics Tuebingen Variant Classification Criteria Version 2. Collection method: clinical testing. Allele origin: germline. Affected: yes. Observed: 3 variant alleles.
Comment: NOTCH3: PM2

ARUP Laboratories, Molecular Genetics and Genomics, ARUP Laboratories
Classification: Uncertain significance. Last evaluated: 2020-08-03. Review status: criteria provided, single submitter. Criteria: ARUP Molecular Germline Variant Investigation Process. Collection method: clinical testing. Allele origin: germline.
Comment: The NOTCH3 c.3919A>G; p.Thr1307Ala variant (rs1331244525), to our knowledge, is not reported in the medical literature or gene-specific databases. This variant is found on a single chromosome in the Genome Aggregation Database (1/83128 alleles), indicating it is not a common polymorphism. The threonine at codon 1307 is highly conserved but computational analyses (SIFT, PolyPhen-2) predict that this variant is tolerated. Most pathogenic NOTCH3 variants occur in exons 2-24 and either create or destroy a cysteine residue within an EGF-like domain (Rutten 2014). However, there are several amino acid substitutions not involving cysteine that may be disease-associated (Muino 2017). Although p.Thr1307Ala does not involve a cysteine residue, due to its low population frequency, its clinical significance is uncertain. References: Muino E et al. Systematic Review of Cysteine-Sparing NOTCH3 Missense Mutations in Patients with Clinical Suspicion of CADASIL. Int J Mol Sci. 2017 Sep 13;18(9). pii: E1964. Rutten JW et al. Interpretation of NOTCH3 mutations in the diagnosis of CADASIL. Expert Rev Mol Diagn. 2014 Jun;14(5):593-603.

NM_000435.3(NOTCH3):c.3919A>G (p.Thr1307Ala)

Gene: NOTCH3 (notch receptor 3; minus strand). Cytogenetic location: 19p13.12.
Variant type: single nucleotide variant.
Coding change: c.3919A>G on transcript NM_000435.3 (MANE Select); coding-DNA position 3919, A replaced by G.
Protein change: p.Thr1307Ala; replaces threonine 1307 with alanine.
Molecular consequence: missense variant.
Genome position (GRCh38, 1-based): chr19:15,178,009, T>C on the plus strand (A>G on the coding strand, the complement: NOTCH3 is on the minus strand). VCF-style: chr19-15178009-T-C. GRCh37 (hg19) VCF-style: chr19-15288820-T-C.
Other names: short protein forms T1307A.
Identifiers: ClinVar variation 993732 (VCV000993732.37), dbSNP rs1331244525, ClinGen allele CA404506283.